The following is an entry in ClinVar:

NM_005898.5(CAPRIN1):c.1689dup (p.Glu564fs)

Gene: CAPRIN1 (cell cycle associated protein 1; plus strand). Cytogenetic location: 11p13.
Variant type: Duplication.
Coding change: c.1689dup on transcript NM_005898.5 (MANE Select); coding-DNA position 1689, one base duplicated (A; older notation c.1689dupA).
Protein change: p.Glu564fs; shifts the reading frame from glutamic acid 564.
Molecular consequence: frameshift variant.
Genome position (GRCh38, 1-based): chr11:34,092,040, A duplicated; the last of 2 consecutive A bases (chr11:34,092,039-34,092,040); duplicating either gives the same sequence. VCF-style (leftmost placement, unchanged base first): chr11-34092038-C-CA. GRCh37 (hg19) VCF-style: chr11-34113585-C-CA.
Other names: c.1689dup, p.Glu564fs (NM_203364.3); short protein forms E564fs.
Identifiers: ClinVar variation 4277288 (VCV004277288.1).

ClinVar aggregate classification (germline): Pathogenic (1 of 4 stars; one submission).

Conditions:
Neurodevelopmental disorder with language impairment, autism, and attention deficit-hyperactivity disorder. Identifiers: MedGen C5935603, MONDO:0968945, OMIM 620782.

Submission:

Department of Human Genetics, University Hospital Bern, Inselspital
Classification: Pathogenic for Neurodevelopmental disorder with language impairment, autism, and attention deficit-hyperactivity disorder. Last evaluated: 2025-10-01. Review status: criteria provided, single submitter. Criteria: ACMG Guidelines, 2015. Collection method: clinical testing. Allele origin: unknown. Inheritance: Autosomal dominant inheritance. Affected: yes. Observed: 1 heterozygote.
Comment: The reported frameshift c.1689dup p.(Glu564Argfs*23) variant is classified as pathogenic according to ACMG criteria. It leads to a premature stop codon and, as a consequence, very likely to the degradation of the corresponding mRNA (nonsense-mediated mRNA decay). It thus fits the pathomechanism described for the CAPRIN1-associated neurodevelopmental disorder (LOF, OMIM: #620782). The variant is not listed in the gnomAD v4.1 population database and, to our knowledge, has never been described in association with a genetic disease (PubMed, HGMD, ClinVar).

Literature cited by the submitters: PubMed 35979925.